The following is an entry in ClinVar:

NM_000660.7(TGFB1):c.1099G>A (p.Val367Met)

Gene: TGFB1 (transforming growth factor beta 1; minus strand). Cytogenetic location: 19q13.2.
Variant type: single nucleotide variant.
Coding change: c.1099G>A on transcript NM_000660.7 (MANE Select); coding-DNA position 1099, G replaced by A.
Protein change: p.Val367Met; replaces valine 367 with methionine.
Molecular consequence: missense variant.
Genome position (GRCh38, 1-based): chr19:41,331,126, C>T on the plus strand (G>A on the coding strand, the complement: TGFB1 is on the minus strand). VCF-style: chr19-41331126-C-T. GRCh37 (hg19) VCF-style: chr19-41837031-C-T.
Other names: short protein forms V367M.
Identifiers: ClinVar variation 2839223 (VCV002839223.3), dbSNP rs1259990378, ClinGen allele CA405997773.

ClinVar aggregate classification (germline): Uncertain significance (1 of 4 stars; one submission).

Allele frequency attached by ClinVar (database versions not stated): TOPMed below 0.00001; gnomAD 0.00001.
gnomAD v4.1: 2 of 1,578,484 alleles (0.00013%); highest among the groups gnomAD compares: Non-Finnish European, 0.00017%; no homozygotes.

Submission:

Labcorp Genetics (formerly Invitae), Labcorp
Classification: Uncertain significance. Last evaluated: 2023-04-24. Review status: criteria provided, single submitter. Criteria: Invitae Variant Classification Sherloc (09022015). Collection method: clinical testing. Allele origin: germline.
Comment: In summary, the available evidence is currently insufficient to determine the role of this variant in disease. Therefore, it has been classified as a Variant of Uncertain Significance. Advanced modeling of protein sequence and biophysical properties (such as structural, functional, and spatial information, amino acid conservation, physicochemical variation, residue mobility, and thermodynamic stability) performed at Invitae indicates that this missense variant is not expected to disrupt TGFB1 protein function. This variant has not been reported in the literature in individuals affected with TGFB1-related conditions. This variant is not present in population databases (gnomAD no frequency). This sequence change replaces valine, which is neutral and non-polar, with methionine, which is neutral and non-polar, at codon 367 of the TGFB1 protein (p.Val367Met).